The following is an entry in ClinVar:

NM_001256715.2(DNAAF3):c.134C>T (p.Pro45Leu)

Genes: DNAAF3 (dynein axonemal assembly factor 3; minus strand), DNAAF3-AS1 (DNAAF3 antisense RNA 1; plus strand). Cytogenetic location: 19q13.42.
Variant type: single nucleotide variant.
Coding change: c.134C>T on transcript NM_001256715.2 (MANE Select); coding-DNA position 134, C replaced by T.
Protein change: p.Pro45Leu; replaces proline 45 with leucine.
Molecular consequence: missense variant. On other transcripts: 5 prime UTR variant (1).
Genome position (GRCh38, 1-based): chr19:55,165,952, G>A on the plus strand (C>T on the coding strand, the complement: DNAAF3 is on the minus strand). VCF-style: chr19-55165952-G-A. GRCh37 (hg19) VCF-style: chr19-55677320-G-A.
Other names: c.338C>T, p.Pro113Leu (NM_001256714.1); c.-105C>T (NM_001256716.2); c.275C>T, p.Pro92Leu (NM_178837.4); short protein forms P92L, P45L, P113L.
Identifiers: ClinVar variation 4708409 (VCV004708409.1).

ClinVar aggregate classification (germline): Uncertain significance (1 of 4 stars; one submission).

Conditions:
Primary ciliary dyskinesia. Also called: Ciliary dyskinesia. Identifiers: Orphanet 244, MedGen C0008780, MONDO:0016575, HP:0012265.

gnomAD v4.1: 3 of 1,614,216 alleles (0.00019%); highest among the groups gnomAD compares: Admixed American, 0.0017%; no homozygotes.

Submission:

Labcorp Genetics (formerly Invitae), Labcorp
Classification: Uncertain significance for Primary ciliary dyskinesia. Last evaluated: 2025-11-10. Review status: criteria provided, single submitter. Criteria: Invitae Variant Classification Sherloc (09022015). Collection method: clinical testing. Allele origin: germline.
Comment: This sequence change replaces proline, which is neutral and non-polar, with leucine, which is neutral and non-polar, at codon 113 of the DNAAF3 protein (p.Pro113Leu). This variant is present in population databases (no rsID available, gnomAD 0.003%). This variant has not been reported in the literature in individuals affected with DNAAF3-related conditions. An algorithm developed to predict the effect of missense changes on protein structure and function outputs the following: PolyPhen-2: "Possibly Damaging". The leucine amino acid residue is found in multiple mammalian species, which suggests that this missense change does not adversely affect protein function. In summary, the available evidence is currently insufficient to determine the role of this variant in disease. Therefore, it has been classified as a Variant of Uncertain Significance.